The following is an entry in ClinVar:

NM_001204.7(BMPR2):c.1298A>G (p.Gln433Arg)

Gene: BMPR2 (bone morphogenetic protein receptor type 2; plus strand). Cytogenetic location: 2q33.2.
Variant type: single nucleotide variant.
Coding change: c.1298A>G on transcript NM_001204.7 (MANE Select); coding-DNA position 1298, A replaced by G.
Protein change: p.Gln433Arg; replaces glutamine 433 with arginine.
Molecular consequence: missense variant.
Genome position (GRCh38, 1-based): chr2:202,542,332, A>G. VCF-style: chr2-202542332-A-G. GRCh37 (hg19) VCF-style: chr2-203407055-A-G.
Other names: short protein forms Q433R.
Identifiers: ClinVar variation 3481294 (VCV003481294.1).
Genomic context (GRCh38, chr2:202,542,332, plus strand): 5'-AGAAATTTTATTCTGTCATTCTTTTCTACAAATCCACAGGGGAATCCGTACCAGAGTACC[A>G]GATGGCTTTTCAGACAGAGGTTGGAAACCATCCCACTTTTGAGGATATGCAGGTTCTCGT-3'
Protein context (NP_001195.2, residues 423-443): LFPGESVPEY[Gln433Arg]MAFQTEVGNH

ClinVar aggregate classification (germline): Uncertain significance (1 of 4 stars; one submission).

Conditions:
Inborn genetic diseases. Identifiers: MedGen C0950123, MeSH D030342.

Submission:

Ambry Genetics
Classification: Uncertain significance for Inborn genetic diseases. Last evaluated: 2024-11-24. Review status: criteria provided, single submitter. Criteria: Ambry Variant Classification Scheme 2023. Collection method: clinical testing. Allele origin: germline.
Comment: The p.Q433R variant (also known as c.1298A>G), located in coding exon 10 of the BMPR2 gene, results from an A to G substitution at nucleotide position 1298. The glutamine at codon 433 is replaced by arginine, an amino acid with highly similar properties. This amino acid position is conserved. In addition, this alteration is predicted to be deleterious by in silico analysis. Based on the available evidence, the clinical significance of this variant remains unclear.